The following is an entry in ClinVar:

NM_000334.4(SCN4A):c.2957del (p.Glu986fs)

Genes: GH-LCR (growth hormone locus control region; plus strand), SCN4A (sodium voltage-gated channel alpha subunit 4; minus strand). Cytogenetic location: 17q23.3.
Variant type: Deletion.
Coding change: c.2957del on transcript NM_000334.4 (MANE Select); coding-DNA position 2957, one base deleted (A; older notation c.2957delA).
Protein change: p.Glu986fs; shifts the reading frame from glutamic acid 986.
Molecular consequence: frameshift variant.
Genome position (GRCh38, 1-based): chr17:63,949,425, T deleted on the plus strand (A on the coding strand, the reverse complement: SCN4A is on the minus strand). VCF-style (leftmost placement, unchanged base first): chr17-63949424-CT-C. GRCh37 (hg19) VCF-style: chr17-62026784-CT-C.
Other names: short protein forms E986fs.
Identifiers: ClinVar variation 4731902 (VCV004731902.1).
Genomic context (GRCh38, chr17:63,949,424, plus strand): 5'-CACCCAGATGAGGTGAGGGGTGCCCTCACCCTCAGTGAAGCACTCCTCAGGCTGCTCCCC[CT>C]CGGGGTTCTCCTCTGCCTGCTCCTCAGGGTCCTCCTCGGGGGGCTTGTAGTCAGCTGTGC-3'

ClinVar aggregate classification (germline): Pathogenic (1 of 4 stars; one submission).

Conditions:
Hyperkalemic periodic paralysis. Also called: Familial hyperkalemic periodic paralysis; Gamstorp disease. Identifiers: Orphanet 682, MedGen C0238357, MONDO:0008224, OMIM 170500, HP:0007215.

Submission:

Labcorp Genetics (formerly Invitae), Labcorp
Classification: Pathogenic for Hyperkalemic periodic paralysis. Last evaluated: 2025-12-09. Review status: criteria provided, single submitter. Criteria: Invitae Variant Classification Sherloc (09022015). Collection method: clinical testing. Allele origin: germline.
Comment: This sequence change creates a premature translational stop signal (p.Glu986Glyfs*55) in the SCN4A gene. It is expected to result in an absent or disrupted protein product. Loss-of-function variants in SCN4A are known to be pathogenic (PMID: 26700687). This variant is not present in population databases (gnomAD no frequency). This variant has not been reported in the literature in individuals affected with SCN4A-related conditions. For these reasons, this variant has been classified as Pathogenic.

Literature cited by the submitters: PubMed 26700687.